The following is an entry in ClinVar:

ClinVar aggregate classification (germline): Uncertain significance (1 of 4 stars; one submission).

Conditions:
Myopathy, centronuclear, 2 (CNM2). Also called: MYOTUBULAR MYOPATHY, AUTOSOMAL RECESSIVE. Identifiers: Orphanet 169186, MedGen CN031787, MONDO:0009709, OMIM 255200.

Submission:

Labcorp Genetics (formerly Invitae), Labcorp
Classification: Uncertain significance for Myopathy, centronuclear, 2. Last evaluated: 2021-11-09. Review status: criteria provided, single submitter. Criteria: Invitae Variant Classification Sherloc (09022015). Collection method: clinical testing. Allele origin: germline.
Comment: A copy number gain of the genomic region encompassing the full coding sequence of the BIN1 gene has been identified. The boundaries of this event are unknown as they extend beyond the assayed region for this gene and therefore may encompass additional genes. As the precise location of this event is unknown, it may be in tandem or it may be located elsewhere in the genome. This variant has not been reported in the literature in individuals affected with BIN1-related conditions. In summary, the available evidence is currently insufficient to determine the role of this variant in disease. Therefore, it has been classified as a Variant of Uncertain Significance.

NC_000002.11:g.(?_127806102)_(127864519_?)dup

Gene: BIN1 (bridging integrator 1; minus strand). Cytogenetic location: 2q14.3.
Variant type: Duplication.
Identifiers: ClinVar variation 1412729 (VCV001412729.3).